The following is an entry in ClinVar:

ClinVar aggregate classification (germline): Uncertain significance. Review status: criteria provided, multiple submitters, no conflicts (2 of 4 stars). 2 submissions from 2 submitters: Uncertain significance (2). Last evaluated 2025-06-27.

Conditions:
Hereditary cancer-predisposing syndrome. Also called: Tumor predisposition; Hereditary Cancer Syndrome; Hereditary neoplastic syndrome; Neoplastic Syndromes, Hereditary. Identifiers: Orphanet 140162, MedGen C0027672, MeSH D009386, MONDO:0015356.
Neurofibromatosis, type 2 (SWNV). Also called: NF2-Related Schwannomatosis; BILATERAL ACOUSTIC NEUROFIBROMATOSIS; SCHWANNOMATOSIS, VESTIBULAR. Identifiers: Orphanet 637, MedGen C0027832, MONDO:0007039, OMIM 101000. Disease mechanism: loss of function.

gnomAD v4.1: 4 of 1,614,218 alleles (0.00025%); highest among the groups gnomAD compares: Non-Finnish European, 0.00034%; no homozygotes.

Submissions (2):

Ambry Genetics
Classification: Uncertain significance for Hereditary cancer-predisposing syndrome. Last evaluated: 2025-06-27. Review status: criteria provided, single submitter. Criteria: Ambry Variant Classification Scheme 2023. Collection method: clinical testing. Allele origin: germline.
Comment: The p.H84D variant (also known as c.250C>G), located in coding exon 3 of the NF2 gene, results from a C to G substitution at nucleotide position 250. The histidine at codon 84 is replaced by aspartic acid, an amino acid with similar properties. This amino acid position is conserved. In addition, the in silico prediction for this alteration is inconclusive. Based on the available evidence, the clinical significance of this variant remains unclear.

All of Us Research Program, National Institutes of Health
Classification: Uncertain significance for Neurofibromatosis, type 2. Last evaluated: 2024-09-23. Review status: criteria provided, single submitter. Criteria: ACMG Guidelines, 2015. Collection method: clinical testing. Allele origin: germline. Inheritance: Autosomal dominant inheritance. Observed: 1 variant allele, 1 heterozygote.
Comment: This study involves interpretation of variants in research participants for the purpose of population health screening. Participant phenotype was not available at the time of variant classification. Additional details can be found in publication PMID: 35346344, PMCID: PMC8962531

NM_000268.4(NF2):c.250C>G (p.His84Asp)

Gene: NF2 (NF2, moesin-ezrin-radixin like (MERLIN) tumor suppressor; plus strand). Cytogenetic location: 22q12.2.
Variant type: single nucleotide variant.
Coding change: c.250C>G on transcript NM_000268.4 (MANE Select); coding-DNA position 250, C replaced by G.
Protein change: p.His84Asp; replaces histidine 84 with aspartic acid.
Molecular consequence: missense variant. On other transcripts: 5 prime UTR variant (1), intron variant (8).
Genome position (GRCh38, 1-based): chr22:29,639,099, C>G. VCF-style: chr22-29639099-C-G. GRCh37 (hg19) VCF-style: chr22-30035088-C-G.
Other names: c.136C>G, p.His46Asp (NM_001407053.1, NM_001407056.1); c.124C>G, p.His42Asp (NM_001407055.1, NM_181828.3); c.250C>G, p.His84Asp (NM_001407057.1, NM_001407059.1, NM_001407060.1 and 5 more transcripts); c.-391C>G (NM_001407065.1); c.19C>G, p.His7Asp (NM_001407067.1); c.240+2223C>G (NM_001407058.1, NM_181829.3, NM_001407054.1 and 1 more transcripts); c.115-3103C>G (NM_001407063.1, NM_181830.3, NM_001407064.1 and 1 more transcripts); short protein forms H42D, H46D, H7D, H84D.
Identifiers: ClinVar variation 3387395 (VCV003387395.2).